The following is an entry in ClinVar:

ClinVar aggregate classification (germline): Uncertain significance (1 of 4 stars; one submission).

Submission:

Labcorp Genetics (formerly Invitae), Labcorp
Classification: Uncertain significance. Last evaluated: 2022-09-21. Review status: criteria provided, single submitter. Criteria: Invitae Variant Classification Sherloc (09022015). Collection method: clinical testing. Allele origin: germline.
Comment: In summary, the available evidence is currently insufficient to determine the role of this variant in disease. Therefore, it has been classified as a Variant of Uncertain Significance. Advanced modeling of protein sequence and biophysical properties (such as structural, functional, and spatial information, amino acid conservation, physicochemical variation, residue mobility, and thermodynamic stability) performed at Invitae indicates that this missense variant is expected to disrupt DEAF1 protein function. This variant has not been reported in the literature in individuals affected with DEAF1-related conditions. This variant is not present in population databases (gnomAD no frequency). This sequence change replaces leucine, which is neutral and non-polar, with phenylalanine, which is neutral and non-polar, at codon 266 of the DEAF1 protein (p.Leu266Phe).

NM_021008.4(DEAF1):c.796C>T (p.Leu266Phe)

Gene: DEAF1 (DEAF1 transcription factor; minus strand). Cytogenetic location: 11p15.5.
Variant type: single nucleotide variant.
Coding change: c.796C>T on transcript NM_021008.4 (MANE Select); coding-DNA position 796, C replaced by T.
Protein change: p.Leu266Phe; replaces leucine 266 with phenylalanine.
Molecular consequence: missense variant. On other transcripts: intron variant (1).
Genome position (GRCh38, 1-based): chr11:686,866, G>A on the plus strand (C>T on the coding strand, the complement: DEAF1 is on the minus strand). VCF-style: chr11-686866-G-A. GRCh37 (hg19) VCF-style: chr11-686866-G-A.
Other names: c.70C>T, p.Leu24Phe (NM_001367390.1, NM_001440885.1, NM_001440886.1 and 1 more transcripts); c.796C>T, p.Leu266Phe (NM_001440883.1, NM_001440884.1); c.664+1045C>T (NM_001293634.2); short protein forms L24F, L266F.
Identifiers: ClinVar variation 1719966 (VCV001719966.5), dbSNP rs2494448174, ClinGen allele CA378931775.